The following is an entry in ClinVar:

ClinVar aggregate classification (germline): Uncertain significance. Review status: criteria provided, multiple submitters, no conflicts (2 of 4 stars). 2 submissions from 2 submitters: Uncertain significance (2). Last evaluated 2024-12-18.

Conditions:
Hereditary cancer-predisposing syndrome. Also called: Hereditary Cancer Syndrome; Hereditary neoplastic syndrome; Tumor predisposition; Neoplastic Syndromes, Hereditary. Identifiers: Orphanet 140162, MedGen C0027672, MeSH D009386, MONDO:0015356.
Ataxia-telangiectasia syndrome (AT). Also called: Cerebello-oculocutaneous telangiectasia; Immunodeficiency with ataxia telangiectasia; Ataxia-telangiectasia, complementation group E; Ataxia telangiectasia (A-T); LOUIS-BAR SYNDROME; ATAXIA-TELANGIECTASIA, COMPLEMENTATION GROUP A. Identifiers: Orphanet 100, MedGen C0004135, MONDO:0008840, OMIM 208900.

Submissions (2):

Labcorp Genetics (formerly Invitae), Labcorp
Classification: Uncertain significance for Ataxia-telangiectasia syndrome. Last evaluated: 2024-12-18. Review status: criteria provided, single submitter. Criteria: Invitae Variant Classification Sherloc (09022015). Collection method: clinical testing. Allele origin: germline.
Comment: This sequence change replaces proline, which is neutral and non-polar, with serine, which is neutral and polar, at codon 1354 of the ATM protein (p.Pro1354Ser). This variant is not present in population databases (gnomAD no frequency). This variant has not been reported in the literature in individuals affected with ATM-related conditions. ClinVar contains an entry for this variant (Variation ID: 2777765). Invitae Evidence Modeling of protein sequence and biophysical properties (such as structural, functional, and spatial information, amino acid conservation, physicochemical variation, residue mobility, and thermodynamic stability) indicates that this missense variant is not expected to disrupt ATM protein function with a negative predictive value of 95%. In summary, the available evidence is currently insufficient to determine the role of this variant in disease. Therefore, it has been classified as a Variant of Uncertain Significance.

Ambry Genetics
Classification: Uncertain significance for Hereditary cancer-predisposing syndrome. Last evaluated: 2024-11-26. Review status: criteria provided, single submitter. Criteria: Ambry Variant Classification Scheme 2023. Collection method: clinical testing. Allele origin: germline.
Comment: The p.P1354S variant (also known as c.4060C>T), located in coding exon 26 of the ATM gene, results from a C to T substitution at nucleotide position 4060. The proline at codon 1354 is replaced by serine, an amino acid with similar properties. This amino acid position is well conserved in available vertebrate species. In addition, this alteration is predicted to be tolerated by in silico analysis. Based on the available evidence, the clinical significance of this variant remains unclear.

NM_000051.4(ATM):c.4060C>T (p.Pro1354Ser)

Gene: ATM (ATM serine/threonine kinase; plus strand). Cytogenetic location: 11q22.3.
Variant type: single nucleotide variant.
Coding change: c.4060C>T on transcript NM_000051.4 (MANE Select); coding-DNA position 4060, C replaced by T.
Protein change: p.Pro1354Ser; replaces proline 1354 with serine.
Molecular consequence: missense variant.
Genome position (GRCh38, 1-based): chr11:108,287,666, C>T. VCF-style: chr11-108287666-C-T. GRCh37 (hg19) VCF-style: chr11-108158393-C-T.
Other names: c.4060C>T, p.Pro1354Ser (NM_001351834.2); short protein forms P1354S.
Identifiers: ClinVar variation 2777765 (VCV002777765.4), dbSNP rs145119475, ClinGen allele CA382528050.